The following is an entry in ClinVar:

ClinVar aggregate classification (germline): Pathogenic (1 of 4 stars; one submission).

Conditions:
Neuropathy, hereditary sensory and autonomic, type 2A (HSAN2A). Also called: MORVAN DISEASE; NEUROPATHY, CONGENITAL SENSORY; NEUROPATHY, HEREDITARY SENSORY RADICULAR, AUTOSOMAL RECESSIVE; NEUROPATHY, HEREDITARY SENSORY, TYPE IIA; NEUROPATHY, PROGRESSIVE SENSORY, OF CHILDREN; HSAN IIA. Identifiers: Orphanet 970, MedGen C2752089, MONDO:0024309, OMIM 201300.
Generalized epilepsy with febrile seizures plus, type 7 (GEFSP7). Also called: GEFS+, TYPE 7. Identifiers: Orphanet 36387, MedGen C2751778, MONDO:0013470, OMIM 613863.

Submission:

Labcorp Genetics (formerly Invitae), Labcorp
Classification: Pathogenic for Neuropathy, hereditary sensory and autonomic, type 2A; Generalized epilepsy with febrile seizures plus, type 7. Last evaluated: 2023-12-12. Review status: criteria provided, single submitter. Criteria: Invitae Variant Classification Sherloc (09022015). Collection method: clinical testing. Allele origin: germline.
Comment: This sequence change creates a premature translational stop signal (p.Ser449Lysfs*21) in the SCN9A gene. It is expected to result in an absent or disrupted protein product. Loss-of-function variants in SCN9A are known to be pathogenic (PMID: 17470132, 19304393). This variant is not present in population databases (gnomAD no frequency). This variant has not been reported in the literature in individuals affected with SCN9A-related conditions. For these reasons, this variant has been classified as Pathogenic.

Literature cited by the submitters: PubMed 17470132; PubMed 19304393.

NM_001365536.1(SCN9A):c.1344_1345dup (p.Ser449fs)

Genes: SCN9A (sodium voltage-gated channel alpha subunit 9; minus strand), SCN1A-AS1 (SCN1A and SCN9A antisense RNA 1; plus strand). Cytogenetic location: 2q24.3.
Variant type: Duplication.
Coding change: c.1344_1345dup on transcript NM_001365536.1 (MANE Select); coding-DNA positions 1344 to 1345, 2 bases duplicated (AA; older notation c.1344_1345dupAA).
Protein change: p.Ser449fs; shifts the reading frame from serine 449.
Molecular consequence: frameshift variant.
Genome position (GRCh38, 1-based): chr2:166,286,593-166,286,594, TT duplicated on the plus strand (AA on the coding strand, the reverse complement: SCN9A is on the minus strand). VCF-style (leftmost placement, unchanged base first): chr2-166286592-C-CTT. GRCh37 (hg19) VCF-style: chr2-167143102-C-CTT.
Other names: c.1344_1345dup, p.Ser449Lysfs (NM_002977.4); short protein forms S449fs.
Identifiers: ClinVar variation 2952949 (VCV002952949.3), dbSNP rs2468041377, ClinGen allele CA2740095858.